The following is an entry in ClinVar:

NM_001130144.3(LTBP3):c.566A>T (p.Gln189Leu)

Gene: LTBP3 (latent transforming growth factor beta binding protein 3; minus strand). Cytogenetic location: 11q13.1.
Variant type: single nucleotide variant.
Coding change: c.566A>T on transcript NM_001130144.3 (MANE Select); coding-DNA position 566, A replaced by T.
Protein change: p.Gln189Leu; replaces glutamine 189 with leucine.
Molecular consequence: missense variant.
Genome position (GRCh38, 1-based): chr11:65,554,146, T>A on the plus strand (A>T on the coding strand, the complement: LTBP3 is on the minus strand). VCF-style: chr11-65554146-T-A. GRCh37 (hg19) VCF-style: chr11-65321617-T-A.
Other names: c.215A>T, p.Gln72Leu (NM_001164266.1); c.566A>T, p.Gln189Leu (NM_021070.4); short protein forms Q189L, Q72L.
Identifiers: ClinVar variation 4049872 (VCV004049872.1).

ClinVar aggregate classification (germline): Uncertain significance (1 of 4 stars; one submission).

Conditions:
Inborn genetic diseases. Identifiers: MedGen C0950123, MeSH D030342.

Submission:

Ambry Genetics
Classification: Uncertain significance for Inborn genetic diseases. Last evaluated: 2025-04-24. Review status: criteria provided, single submitter. Criteria: Ambry Variant Classification Scheme 2023. Collection method: clinical testing. Allele origin: germline.
Comment: The p.Q189L variant (also known as c.566A>T), located in coding exon 2 of the LTBP3 gene, results from an A to T substitution at nucleotide position 566. The glutamine at codon 189 is replaced by leucine, an amino acid with dissimilar properties. This amino acid position is conserved. In addition, the in silico prediction for this alteration is inconclusive. Based on the available evidence, the clinical significance of this variant remains unclear.